The following is an entry in ClinVar:

NM_000188.3(HK1):c.469C>T (p.Pro157Ser)

Gene: HK1 (hexokinase 1; plus strand). Cytogenetic location: 10q22.1.
Variant type: single nucleotide variant.
Coding change: c.469C>T on transcript NM_000188.3 (MANE Select); coding-DNA position 469, C replaced by T.
Protein change: p.Pro157Ser; replaces proline 157 with serine.
Molecular consequence: missense variant.
Genome position (GRCh38, 1-based): chr10:69,364,876, C>T. VCF-style: chr10-69364876-C-T. GRCh37 (hg19) VCF-style: chr10-71124632-C-T.
Other names: c.469C>T, p.Pro157Ser (NM_001322367.1); c.481C>T, p.Pro161Ser (NM_001358263.1, NM_033497.3, NM_033498.3 and 1 more transcripts); c.466C>T, p.Pro156Ser (NM_033496.3); c.433C>T, p.Pro145Ser (NM_033500.2); c.574C>T, p.Pro192Ser (NM_001322365.2); c.385C>T, p.Pro129Ser (NM_001322366.1); short protein forms P129S, P145S, P156S, P157S, P161S, P192S.
Identifiers: ClinVar variation 1179815 (VCV001179815.2), dbSNP rs2132789863, ClinGen allele CA376912736.

ClinVar aggregate classification (germline): Uncertain significance (1 of 4 stars; one submission).

Submission:

GeneDx
Classification: Uncertain significance. Last evaluated: 2021-05-10. Review status: criteria provided, single submitter. Criteria: GeneDx Variant Classification Process June 2021. Collection method: clinical testing. Allele origin: germline. Affected: yes.
Comment: Not observed in large population cohorts (Lek et al., 2016); In silico analysis, which includes protein predictors and evolutionary conservation, supports a deleterious effect; Has not been previously published as pathogenic or benign to our knowledge